The following is an entry in ClinVar:

NM_001261826.3(AP3D1):c.2639C>A (p.Pro880Gln)

Gene: AP3D1 (adaptor related protein complex 3 subunit delta 1; minus strand). Cytogenetic location: 19p13.3.
Variant type: single nucleotide variant.
Coding change: c.2639C>A on transcript NM_001261826.3 (MANE Select); coding-DNA position 2639, C replaced by A.
Protein change: p.Pro880Gln; replaces proline 880 with glutamine.
Molecular consequence: missense variant. On other transcripts: intron variant (1).
Genome position (GRCh38, 1-based): chr19:2,113,376, G>T on the plus strand (C>A on the coding strand, the complement: AP3D1 is on the minus strand). VCF-style: chr19-2113376-G-T. GRCh37 (hg19) VCF-style: chr19-2113375-G-T.
Other names: c.2639C>A, p.Pro880Gln (NM_001374799.1); c.2601+749C>A (NM_003938.8); short protein forms P880Q.
Identifiers: ClinVar variation 2970097 (VCV002970097.3), dbSNP rs371796422, ClinGen allele CA403207217.
Genomic context (GRCh38, chr19:2,113,376, plus strand): 5'-GCCAGCTGCCAGTCTCTTACCGTGGATGGAACGGGGGCGGGGGCGGGGGCGGGGGCAGGC[G>T]GTGGGGTGGTAGACAGCCAGAAGTCCAGGTCCTCAGCCTGAAACCACAAGACAGGCTGTC-3'
Protein context (NP_001248755.1, residues 870-890): DLDFWLSTTP[Pro880Gln]PAPAPAPAPV

ClinVar aggregate classification (germline): Uncertain significance (1 of 4 stars; one submission).

gnomAD v4.1: 6 of 1,463,588 alleles (0.00041%); highest among the groups gnomAD compares: Admixed American, 0.0028%; no homozygotes.

Submission:

Labcorp Genetics (formerly Invitae), Labcorp
Classification: Uncertain significance. Last evaluated: 2025-08-25. Review status: criteria provided, single submitter. Criteria: Invitae Variant Classification Sherloc (09022015). Collection method: clinical testing. Allele origin: germline.
Comment: This sequence change replaces proline, which is neutral and non-polar, with glutamine, which is neutral and polar, at codon 880 of the AP3D1 protein (p.Pro880Gln). This variant is not present in population databases (gnomAD no frequency). This variant has not been reported in the literature in individuals affected with AP3D1-related conditions. ClinVar contains an entry for this variant (Variation ID: 2970097). An algorithm developed to predict the effect of missense changes on protein structure and function (PolyPhen-2) suggests that this variant is likely to be tolerated. In summary, the available evidence is currently insufficient to determine the role of this variant in disease. Therefore, it has been classified as a Variant of Uncertain Significance.